The following is an entry in ClinVar:

ClinVar aggregate classification (germline): Uncertain significance (1 of 4 stars; one submission).

Submission:

Labcorp Genetics (formerly Invitae), Labcorp
Classification: Uncertain significance. Last evaluated: 2022-07-06. Review status: criteria provided, single submitter. Criteria: Invitae Variant Classification Sherloc (09022015). Collection method: clinical testing. Allele origin: germline.
Comment: Algorithms developed to predict the effect of missense changes on protein structure and function are either unavailable or do not agree on the potential impact of this missense change (SIFT: "Tolerated"; PolyPhen-2: "Possibly Damaging"; Align-GVGD: "Class C0"). In summary, the available evidence is currently insufficient to determine the role of this variant in disease. Therefore, it has been classified as a Variant of Uncertain Significance. This variant has not been reported in the literature in individuals affected with HPS5-related conditions. This sequence change replaces leucine, which is neutral and non-polar, with valine, which is neutral and non-polar, at codon 992 of the HPS5 protein (p.Leu992Val). This variant is not present in population databases (gnomAD no frequency).

NM_181507.2(HPS5):c.2974C>G (p.Leu992Val)

Gene: HPS5 (HPS5 biogenesis of lysosomal organelles complex 2 subunit 2; minus strand). Cytogenetic location: 11p15.1.
Variant type: single nucleotide variant.
Coding change: c.2974C>G on transcript NM_181507.2 (MANE Select); coding-DNA position 2974, C replaced by G.
Protein change: p.Leu992Val; replaces leucine 992 with valine.
Molecular consequence: missense variant.
Genome position (GRCh38, 1-based): chr11:18,283,879, G>C on the plus strand (C>G on the coding strand, the complement: HPS5 is on the minus strand). VCF-style: chr11-18283879-G-C. GRCh37 (hg19) VCF-style: chr11-18305426-G-C.
Other names: c.2632C>G, p.Leu878Val (NM_007216.4, NM_181508.2); short protein forms L878V, L992V.
Identifiers: ClinVar variation 1972279 (VCV001972279.5), dbSNP rs1350984717, ClinGen allele CA379513647.